The following is an entry in ClinVar:

NM_020911.2(PLXNA4):c.3640-2A>G

Gene: PLXNA4 (plexin A4; minus strand). Cytogenetic location: 7q32.3.
Variant type: single nucleotide variant.
Coding change: c.3640-2A>G on transcript NM_020911.2 (MANE Select); the canonical splice acceptor site of the intron before coding-DNA position 3640, A replaced by G.
Molecular consequence: splice acceptor variant.
Genome position (GRCh38, 1-based): chr7:132,179,923, T>C on the plus strand (A>G on the coding strand, the complement: PLXNA4 is on the minus strand). VCF-style: chr7-132179923-T-C. GRCh37 (hg19) VCF-style: chr7-131864682-T-C.
Other names: c.3640-2A>G (NM_001393897.1).
Identifiers: ClinVar variation 3348046 (VCV003348046.2).

ClinVar aggregate classification (germline): Uncertain significance (1 of 4 stars; one submission).

Conditions:
PLXNA4-related disorder. Also called: PLXNA4-related condition.

Submission:

PreventionGenetics, part of Exact Sciences
Classification: Uncertain significance for PLXNA4-related condition. Last evaluated: 2025-04-09. Review status: criteria provided, single submitter. Criteria: ACMG Guidelines, 2015. Collection method: clinical testing. Allele origin: germline.
Comment: The PLXNA4 c.3640-2A>G variant is predicted to disrupt the AG splice acceptor site and interfere with normal splicing. To our knowledge, this variant has not been reported in the literature or in a large population database (gnomAD), indicating this variant is rare. At this time, the clinical significance of this variant is uncertain due to the absence of conclusive functional and genetic evidence.